The following is an entry in ClinVar:

NM_002047.4(GARS1):c.298G>A (p.Ala100Thr)

Gene: GARS1 (glycyl-tRNA synthetase 1; plus strand). Cytogenetic location: 7p14.3.
Variant type: single nucleotide variant.
Coding change: c.298G>A on transcript NM_002047.4 (MANE Select); coding-DNA position 298, G replaced by A.
Protein change: p.Ala100Thr; replaces alanine 100 with threonine.
Molecular consequence: missense variant.
Genome position (GRCh38, 1-based): chr7:30,598,871, G>A. VCF-style: chr7-30598871-G-A. GRCh37 (hg19) VCF-style: chr7-30638487-G-A.
Other names: c.136G>A, p.Ala46Thr (NM_001316772.1); short protein forms A100T, A46T.
Identifiers: ClinVar variation 4687394 (VCV004687394.1).
Genomic context (GRCh38, chr7:30,598,871, plus strand): 5'-AAACTCAAAGAAGATAAAGCACCCCAAGTAGACGTAGACAAAGCAGTGGCTGAGCTCAAA[G>A]CCCGCAAGAGGGTTCTGGAAGCAAAGGTGAGTCCTGGGATGCTAAAATAGGAACATAAGT-3'
Protein context (NP_002038.2, residues 90-110): DVDKAVAELK[Ala100Thr]RKRVLEAKEL

ClinVar aggregate classification (germline): Uncertain significance (1 of 4 stars; one submission).

gnomAD v4.1: 1 of 1,614,178 alleles (0.000062%); highest among the groups gnomAD compares: African/African-American, 0.0013%; no homozygotes.

Submission:

Women's Health and Genetics/Laboratory Corporation of America, LabCorp
Classification: Uncertain significance. Last evaluated: 2025-10-09. Review status: criteria provided, single submitter. Criteria: LabCorp Variant Classification Summary - May 2015. Collection method: clinical testing. Allele origin: germline.
Comment: Variant summary: GARS1 c.298G>A (p.Ala100Thr) results in a non-conservative amino acid change in the encoded protein sequence. Algorithms developed to predict the effect of missense changes on protein structure and function are either unavailable or do not agree on the potential impact of this missense change. The variant was absent in 280814 control chromosomes. The available data on variant occurrences in the general population are insufficient to allow any conclusion about variant significance. To our knowledge, no occurrence of c.298G>A in individuals affected with GARS1-related conditions and no experimental evidence demonstrating its impact on protein function have been reported. No submitters have cited clinical-significance assessments for this variant to ClinVar. Based on the evidence outlined above, the variant was classified as uncertain significance.